The following is an entry in ClinVar:

NM_020794.2:c.214C>T

Gene: LRRC7 (leucine rich repeat containing 7; plus strand).
Variant type: single nucleotide variant.
Identifiers: ClinVar variation 4830051 (VCV004830051.1).

ClinVar aggregate classification (germline): Pathogenic (1 of 4 stars; one submission).

Submission:

Ambry Genetics
Classification: Pathogenic. Last evaluated: 2026-01-05. Review status: criteria provided, single submitter. Criteria: Ambry Variant Classification Scheme 2023. Collection method: clinical testing. Allele origin: germline.
Comment: The c.214C>T (p.R72*) alteration, located in coding exon 2 of the LRRC7 gene, consists of a C to T substitution at nucleotide position 214. This changes the amino acid from an arginine (R) to a stop codon at amino acid position 72. This alteration is expected to result in loss of function by premature protein truncation or nonsense-mediated mRNA decay. This variant was not reported in population-based cohorts in the Genome Aggregation Database (gnomAD). Based on the available evidence, this alteration is classified as pathogenic.